The following is an entry in ClinVar:

NM_003322.6(TULP1):c.999+5G>A

Gene: TULP1 (TUB like protein 1; minus strand). Cytogenetic location: 6p21.31.
Variant type: single nucleotide variant.
Coding change: c.999+5G>A on transcript NM_003322.6 (MANE Select); 5 bases into the intron after coding-DNA position 999, G replaced by A.
Molecular consequence: intron variant.
Genome position (GRCh38, 1-based): chr6:35,505,998, C>T on the plus strand (G>A on the coding strand, the complement: TULP1 is on the minus strand). VCF-style: chr6-35505998-C-T. GRCh37 (hg19) VCF-style: chr6-35473775-C-T.
Other names: NC_000006.11:g.35473775C>T; NP_003313.3:p.?; c.840+5G>A (NM_001289395.2).
Identifiers: ClinVar variation 1526153 (VCV001526153.3), dbSNP rs2150925392, ClinGen allele CA2573140329.
Genomic context (GRCh38, chr6:35,505,998, plus strand): 5'-TTTGTCCCGTGGCCCCCATGCCGGATCCCTCCACACTCCCTCCTCTGCTGCCTCTCCCCA[C>T]CCACCTTCTTCTCCGTGTCCAGGTGCAGGAAGTAGGAGGGATACATGCCTCGATCCATGC-3'

ClinVar aggregate classification (germline): Conflicting classifications of pathogenicity. Review status: criteria provided, conflicting classifications (1 of 4 stars). 2 submissions from 2 submitters: Likely pathogenic (1); Uncertain significance (1). Last evaluated 2024-05-27.

Conditions:
Retinal dystrophy. Also called: Inherited retinal dystrophy. Identifiers: Orphanet 71862, MedGen C0854723, MeSH D058499, MONDO:0019118, HP:0000556.
Leber congenital amaurosis 15 (LCA15). Identifiers: Orphanet 65, MedGen C3151206, MONDO:0013457, OMIM 613843.

gnomAD v4.1: 3 of 1,614,138 alleles (0.00019%); highest among the groups gnomAD compares: South Asian, 0.0011%; no homozygotes.

Submissions (2):

Ophthalmic Genetics Group, Institute of Molecular and Clinical Ophthalmology Basel
Classification: Likely pathogenic for Retinal dystrophy. Last evaluated: 2024-05-27. Review status: criteria provided, single submitter. Criteria: ACMG Guidelines, 2015. Collection method: research. Allele origin: germline. Affected: yes. Observed: 3 variant alleles.
Comment: This variant was classified as Likely pathogenic based on ACMG criteria: PM2_mod, PM3_mod, PP1_strong and PP3_mod

3billion
Classification: Uncertain significance for Leber congenital amaurosis 15. Last evaluated: 2022-03-22. Review status: criteria provided, single submitter. Criteria: ACMG Guidelines, 2015. Collection method: clinical testing. Allele origin: germline. Affected: yes. Observed: 1 homozygote.
Comment: The variant is not observed in the gnomAD v2.1.1 dataset. Therefore, this variant is classified as uncertain significance according to the recommendation of ACMG/AMP guideline.

Literature cited by the submitters: PubMed 40180963 (cited by Ophthalmic Genetics Group, Institute of Molecular and Clinical Ophthalmology Basel).